The following is an entry in ClinVar:

ClinVar aggregate classification (germline): Conflicting classifications of pathogenicity. Review status: criteria provided, conflicting classifications (1 of 4 stars). 3 submissions from 3 submitters: Uncertain significance (1); Likely benign (1). 1 of the submissions does not count toward it. Last evaluated 2024-05-08.

Conditions:
Inborn genetic diseases. Identifiers: MedGen C0950123, MeSH D030342.
Rubinstein-Taybi syndrome due to CREBBP mutations (RSTS1). Also called: CREBBP-Related Rubinstein-Taybi Syndrome; BROAD THUMB-HALLUX SYNDROME; RUBINSTEIN-TAYBI SYNDROME 1, INCOMPLETE; BROAD THUMBS AND GREAT TOES, CHARACTERISTIC FACIES, AND IMPAIRED INTELLECTUAL DEVELOPMENT; RUBINSTEIN SYNDROME; Rubinstein-Taybi syndrome 1. Identifiers: Orphanet 353277, Orphanet 783, MedGen C4551859, MONDO:0008393, OMIM 180849.
Menke-Hennekam syndrome 1 (MKHK1). Identifiers: MedGen C5193034, MONDO:0020763, OMIM 618332.
CREBBP-related disorder. Also called: CREBBP-related disorders; CREBBP-related condition.

Allele frequency attached by ClinVar (database versions not stated): gnomAD 0.00001; ExAC 0.00003; TOPMed 0.00003; gnomAD exomes 0.00010.
gnomAD v4.1: 149 of 1,613,524 alleles (0.0092%); highest among the groups gnomAD compares: Non-Finnish European, 0.012%; no homozygotes.

Submissions (3):

Fulgent Genetics
Classification: Likely benign for Rubinstein-Taybi syndrome due to CREBBP mutations; Menke-Hennekam syndrome 1. Last evaluated: 2024-05-08. Review status: criteria provided, single submitter. Criteria: ACMG Guidelines, 2015. Collection method: clinical testing. Allele origin: germline.

Ambry Genetics
Classification: Uncertain significance for Inborn genetic diseases. Last evaluated: 2017-10-12. Review status: criteria provided, single submitter. Criteria: Ambry Variant Classification Scheme 2023. Collection method: clinical testing. Allele origin: germline.
Comment: The p.P832H variant (also known as c.2495C>A), located in coding exon 14 of the CREBBP gene, results from a C to A substitution at nucleotide position 2495. The proline at codon 832 is replaced by histidine, an amino acid with similar properties. This amino acid position is not well conserved in available vertebrate species. In addition, the in silico prediction for this alteration is inconclusive. Since supporting evidence is limited at this time, the clinical significance of this alteration remains unclear.

PreventionGenetics, part of Exact Sciences
Classification: Likely benign for CREBBP-related condition. Last evaluated: 2024-08-06. Review status: no assertion criteria provided. Collection method: clinical testing. Allele origin: germline. Not counted in ClinVar's aggregate classification.
Comment: This variant is classified as likely benign based on ACMG/AMP sequence variant interpretation guidelines (Richards et al. 2015 PMID: 25741868, with internal and published modifications).

NM_004380.3(CREBBP):c.2495C>A (p.Pro832His)

Gene: CREBBP (CREB binding lysine acetyltransferase; minus strand). Cytogenetic location: 16p13.3.
Variant type: single nucleotide variant.
Coding change: c.2495C>A on transcript NM_004380.3 (MANE Select); coding-DNA position 2495, C replaced by A.
Protein change: p.Pro832His; replaces proline 832 with histidine.
Molecular consequence: missense variant.
Genome position (GRCh38, 1-based): chr16:3,770,955, G>T on the plus strand (C>A on the coding strand, the complement: CREBBP is on the minus strand). VCF-style: chr16-3770955-G-T. GRCh37 (hg19) VCF-style: chr16-3820956-G-T.
Other names: c.2381C>A, p.Pro794His (NM_001079846.1); short protein forms P794H, P832H.
Identifiers: ClinVar variation 1792124 (VCV001792124.4), dbSNP rs755952440, ClinGen allele CA7870096.